The following is an entry in ClinVar:

ClinVar aggregate classification (germline): Uncertain significance (1 of 4 stars; one submission).

Conditions:
Atrioventricular septal defect 4 (AVSD4). Identifiers: MedGen C3280781, MONDO:0013747, OMIM 614430.

Allele frequency attached by ClinVar (database versions not stated): gnomAD exomes below 0.00001.

Submission:

Labcorp Genetics (formerly Invitae), Labcorp
Classification: Uncertain significance for Atrioventricular septal defect 4. Last evaluated: 2025-05-18. Review status: criteria provided, single submitter. Criteria: Invitae Variant Classification Sherloc (09022015). Collection method: clinical testing. Allele origin: germline.
Comment: This sequence change falls in intron 2 of the GATA4 gene. It does not directly change the encoded amino acid sequence of the GATA4 protein. It affects a nucleotide within the consensus splice site. This variant is not present in population databases (gnomAD no frequency). This variant has not been reported in the literature in individuals affected with GATA4-related conditions. ClinVar contains an entry for this variant (Variation ID: 1046443). Variants that disrupt the consensus splice site are a relatively common cause of aberrant splicing (PMID: 17576681, 9536098). Algorithms developed to predict the effect of sequence changes on RNA splicing suggest that this variant is not likely to affect RNA splicing. In summary, the available evidence is currently insufficient to determine the role of this variant in disease. Therefore, it has been classified as a Variant of Uncertain Significance.

Literature cited by the submitters: PubMed 17576681; PubMed 9536098.

NM_001308093.3(GATA4):c.616+3G>A

Gene: GATA4 (GATA binding protein 4). Cytogenetic location: 8p23.1.
Variant type: single nucleotide variant.
Coding change: c.616+3G>A on transcript NM_001308093.3 (MANE Select); 3 bases into the intron after coding-DNA position 616, G replaced by A.
Molecular consequence: intron variant.
Genome position (GRCh38, 1-based): chr8:11,708,931, G>A. VCF-style: chr8-11708931-G-A. GRCh37 (hg19) VCF-style: chr8-11566440-G-A.
Other names: c.-6+8153G>A (NM_001308094.2); c.616+3G>A (NM_002052.5); c.-3+917G>A (NM_001374274.1); c.-3+4627G>A (NM_001374273.1).
Identifiers: ClinVar variation 1046443 (VCV001046443.6), dbSNP rs1800033657, ClinGen allele CA1764057847.
Genomic context (GRCh38, chr8:11,708,931, plus strand): 5'-CCGGTCCTGCACAGCCTGCCCGGCCGGGCCAACCCGGCCGCCCGACACCCCAATCTCGGT[G>A]AGTAGGAGCGCGAGGGCTGGGGCGCGTGAGGGCCGGGGCAGGGGCCGTCTTGAGCCCTGT-3'